The following is an entry in ClinVar:

ClinVar aggregate classification (germline): Likely pathogenic (1 of 4 stars; one submission).

Conditions:
Primary dilated cardiomyopathy (DCM). Also called: Dilated Cardiomyopathy. Identifiers: Orphanet 217604, MedGen C0007193, MeSH D002311, MONDO:0005021, HP:0001644. Inheritance: Various modes of inheritance.

Submission:

Lildballe Lab, Aarhus University Hospital
Classification: Likely pathogenic for dilated cardiomyopathy. Last evaluated: 2024-03-01. Review status: criteria provided, single submitter. Criteria: ACMG Guidelines, 2015. Collection method: research. Allele origin: germline. Affected: yes.
Comment: PVS1(vs), PM2(sup)

Literature cited by the submitters: PubMed 25741939; PubMed 39481677.

NM_001267550.2(TTN):c.79101T>A (p.Tyr26367Ter)

Genes: TTN (titin; minus strand), TTN-AS1 (TTN antisense RNA 1; plus strand). Cytogenetic location: 2q31.2.
Variant type: single nucleotide variant.
Coding change: c.79101T>A on transcript NM_001267550.2 (MANE Select); coding-DNA position 79101, T replaced by A.
Protein change: p.Tyr26367Ter; replaces tyrosine 26367 with a stop codon.
Molecular consequence: nonsense.
Genome position (GRCh38, 1-based): chr2:178,567,031, A>T on the plus strand (T>A on the coding strand, the complement: TTN is on the minus strand). VCF-style: chr2-178567031-A-T. GRCh37 (hg19) VCF-style: chr2-179431758-A-T.
Other names: c.74178T>A, p.Tyr24726Ter (NM_001256850.1); c.51906T>A, p.Tyr17302Ter (NM_003319.4); c.71397T>A, p.Tyr23799Ter (NM_133378.4); c.52281T>A, p.Tyr17427Ter (NM_133432.3); c.52482T>A, p.Tyr17494Ter (NM_133437.4); short protein forms Y17302*, Y17427*, Y17494*, Y23799*, Y24726*, Y26367*.
Identifiers: ClinVar variation 3338357 (VCV003338357.1).